The following is an entry in ClinVar:

NM_183357.3(ADCY5):c.3783_3786del (p.Ter1262SerextTer?)

Gene: ADCY5 (adenylate cyclase 5; minus strand). Cytogenetic location: 3q21.1.
Variant type: Deletion.
Coding change: c.3783_3786del on transcript NM_183357.3 (MANE Select); coding-DNA positions 3783 to 3786, 4 bases deleted (TTAG; older notation c.3783_3786delTTAG).
Protein change: p.Ter1262SerextTer?.
Molecular consequence: frameshift variant.
Genome position (GRCh38, 1-based): chr3:123,284,608-123,284,611, CTAA deleted on the plus strand (TTAG on the coding strand, the reverse complement: ADCY5 is on the minus strand); deleting any 4 consecutive bases within chr3:123,284,608-123,284,613 gives the same sequence; the c. name uses the placement nearest the transcript's 3' end. VCF-style (leftmost placement, unchanged base first): chr3-123284607-GCTAA-G. GRCh37 (hg19) VCF-style: chr3-123003454-GCTAA-G.
Other names: c.2733_2736del, p.Ter912SerextTer? (NM_001199642.1); c.3858_3861del, p.Ter1287SerextTer? (NM_001378259.1).
Identifiers: ClinVar variation 1513947 (VCV001513947.6), dbSNP rs2108147887, ClinGen allele CA2573136408.

ClinVar aggregate classification (germline): Uncertain significance (1 of 4 stars; one submission).

Submission:

Labcorp Genetics (formerly Invitae), Labcorp
Classification: Uncertain significance. Last evaluated: 2025-02-17. Review status: criteria provided, single submitter. Criteria: Invitae Variant Classification Sherloc (09022015). Collection method: clinical testing. Allele origin: germline.
Comment: This sequence change disrupts the translational stop signal of the ADCY5 mRNA. It is expected to extend the length of the ADCY5 protein by 37 additional amino acid residues. This variant is not present in population databases (gnomAD no frequency). This variant has not been reported in the literature in individuals affected with ADCY5-related conditions. ClinVar contains an entry for this variant (Variation ID: 1513947). In summary, the available evidence is currently insufficient to determine the role of this variant in disease. Therefore, it has been classified as a Variant of Uncertain Significance.